The following is an entry in ClinVar:

ClinVar aggregate classification (germline): Pathogenic. Review status: criteria provided, multiple submitters, no conflicts (2 of 4 stars). 2 submissions from 2 submitters: Pathogenic (2). Last evaluated 2024-11-04.

Conditions:
Ehlers-Danlos syndrome, kyphoscoliotic type 1 (EDSKSCL1). Also called: EHLERS-DANLOS SYNDROME, OCULAR-SCOLIOTIC TYPE; Ehlers-Danlos syndrome, hydroxylysine-deficient; EHLERS-DANLOS SYNDROME, TYPE VIA; PLOD1-Related Kyphoscoliotic Ehlers-Danlos Syndrome. Identifiers: Orphanet 1900, MedGen C0268342, MONDO:0016002, OMIM 225400. Disease mechanism: loss of function.

Allele frequency attached by ClinVar (database versions not stated): gnomAD exomes below 0.00001; TOPMed below 0.00001.

Submissions (2):

Labcorp Genetics (formerly Invitae), Labcorp
Classification: Pathogenic for Ehlers-Danlos syndrome, kyphoscoliotic type 1. Last evaluated: 2024-11-04. Review status: criteria provided, single submitter. Criteria: Invitae Variant Classification Sherloc (09022015). Collection method: clinical testing. Allele origin: germline.
Comment: This sequence change creates a premature translational stop signal (p.Asp135Thrfs*92) in the PLOD1 gene. It is expected to result in an absent or disrupted protein product. Loss-of-function variants in PLOD1 are known to be pathogenic (PMID: 10874315, 21699693). This variant is not present in population databases (gnomAD no frequency). This variant has not been reported in the literature in individuals affected with PLOD1-related conditions. ClinVar contains an entry for this variant (Variation ID: 288527). For these reasons, this variant has been classified as Pathogenic.

Eurofins Ntd Llc (ga)
Classification: Pathogenic. Last evaluated: 2016-06-07. Review status: criteria provided, single submitter. Criteria: EGL Classification Definitions 2015. Collection method: clinical testing. Allele origin: germline. Observed: 1 variant allele, 1 heterozygote.

Literature cited by the submitters: PubMed 10874315 (cited by Labcorp Genetics (formerly Invitae), Labcorp); PubMed 21699693 (cited by Labcorp Genetics (formerly Invitae), Labcorp).

NM_000302.4(PLOD1):c.402del (p.Asp135fs)

Gene: PLOD1 (procollagen-lysine,2-oxoglutarate 5-dioxygenase 1; plus strand). Cytogenetic location: 1p36.22.
Variant type: Deletion.
Coding change: c.402del on transcript NM_000302.4 (MANE Select); coding-DNA position 402, one base deleted (A; older notation c.402delA).
Protein change: p.Asp135fs; shifts the reading frame from aspartic acid 135.
Molecular consequence: frameshift variant.
Genome position (GRCh38, 1-based): chr1:11,950,456, A deleted. VCF-style (leftmost placement, unchanged base first): chr1-11950455-CA-C. GRCh37 (hg19) VCF-style: chr1-12010512-CA-C.
Other names: c.543del, p.Asp182fs (NM_001316320.2); short protein forms D135fs, D182fs.
Identifiers: ClinVar variation 288527 (VCV000288527.8), dbSNP rs886043926, ClinGen allele CA10606121.